The following is an entry in ClinVar:

NM_015041.3(CLUAP1):c.973G>A (p.Asp325Asn)

Gene: CLUAP1 (clusterin associated protein 1; plus strand). Cytogenetic location: 16p13.3.
Variant type: single nucleotide variant.
Coding change: c.973G>A on transcript NM_015041.3 (MANE Select); coding-DNA position 973, G replaced by A.
Protein change: p.Asp325Asn; replaces aspartic acid 325 with asparagine.
Molecular consequence: missense variant.
Genome position (GRCh38, 1-based): chr16:3,530,612, G>A. VCF-style: chr16-3530612-G-A. GRCh37 (hg19) VCF-style: chr16-3580612-G-A.
Other names: c.973G>A, p.Asp325Asn (NM_001330454.2); c.475G>A, p.Asp159Asn (NM_024793.3); c.973G>A (NM_015041.1); short protein forms D325N, D159N.
Identifiers: ClinVar variation 969952 (VCV000969952.10), dbSNP rs150916313, ClinGen allele CA7863927.
Genomic context (GRCh38, chr16:3,530,612, plus strand): 5'-CTTGTGTTCCTGCTAGGTAACGATGACTCGGACATAGACATCCAGGAGGACGATGAATCC[G>A]ACAGTGAGTTGGAAGAAAGGCGGCTGCCCAAGCCACAGACAGCCATGGAGATGCTCATGC-3'
Protein context (NP_055856.1, residues 315-335): DIDIQEDDES[Asp325Asn]SELEERRLPK

ClinVar aggregate classification (germline): Uncertain significance. Review status: criteria provided, multiple submitters, no conflicts (2 of 4 stars). 2 submissions from 2 submitters: Uncertain significance (2). Last evaluated 2025-04-24.

Allele frequency attached by ClinVar (database versions not stated): ExAC 0.00002; gnomAD exomes 0.00002; ESP Exome Variant Server 0.00008; gnomAD 0.00010 and 0.00011; TOPMed 0.00014.
gnomAD v4.1: 54 of 1,613,850 alleles (0.0033%); highest among the groups gnomAD compares: African/African-American, 0.045%; no homozygotes.

Submissions (2):

Labcorp Genetics (formerly Invitae), Labcorp
Classification: Uncertain significance. Last evaluated: 2025-04-24. Review status: criteria provided, single submitter. Criteria: Invitae Variant Classification Sherloc (09022015). Collection method: clinical testing. Allele origin: germline.
Comment: This sequence change replaces aspartic acid, which is acidic and polar, with asparagine, which is neutral and polar, at codon 325 of the CLUAP1 protein (p.Asp325Asn). This variant is present in population databases (rs150916313, gnomAD 0.03%). This variant has not been reported in the literature in individuals affected with CLUAP1-related conditions. ClinVar contains an entry for this variant (Variation ID: 969952). Invitae Evidence Modeling of protein sequence and biophysical properties (such as structural, functional, and spatial information, amino acid conservation, physicochemical variation, residue mobility, and thermodynamic stability) indicates that this missense variant is not expected to disrupt CLUAP1 protein function with a negative predictive value of 80%. In summary, the available evidence is currently insufficient to determine the role of this variant in disease. Therefore, it has been classified as a Variant of Uncertain Significance.

Ambry Genetics
Classification: Uncertain significance. Last evaluated: 2023-12-22. Review status: criteria provided, single submitter. Criteria: Ambry Variant Classification Scheme 2023. Collection method: clinical testing. Allele origin: germline.